The following is an entry in ClinVar:

ClinVar aggregate classification (germline): Benign/Likely benign. Review status: criteria provided, multiple submitters, no conflicts (2 of 4 stars). 7 submissions from 7 submitters: Benign (5); Likely benign (1). 1 of the submissions does not count toward it. Last evaluated 2026-01-27.

Conditions:
INF2-related disorder. Also called: INF2-related condition.
Focal segmental glomerulosclerosis 5 (FSGS5). Identifiers: Orphanet 656, MedGen C2750475, MONDO:0013191, OMIM 613237.
Charcot-Marie-Tooth disease dominant intermediate E. Also called: CHARCOT-MARIE-TOOTH NEUROPATHY WITH FOCAL SEGMENTAL GLOMERULONEPHRITIS. Identifiers: Orphanet 93114, MedGen C4302667, MONDO:0013758, OMIM 614455.

Allele frequency attached by ClinVar (database versions not stated): ExAC 0.00118; gnomAD exomes 0.00148 and 0.00269; gnomAD 0.00781; ESP Exome Variant Server 0.42683.

Submissions (7):

Labcorp Genetics (formerly Invitae), Labcorp
Classification: Likely benign for Charcot-Marie-Tooth disease dominant intermediate E; Focal segmental glomerulosclerosis 5. Last evaluated: 2026-01-27. Review status: criteria provided, single submitter. Criteria: Invitae Variant Classification Sherloc (09022015). Collection method: clinical testing. Allele origin: germline.

Blueprint Genetics
Classification: Benign. Last evaluated: 2024-10-31. Review status: criteria provided, single submitter. Criteria: ACMG Guidelines, 2015. Collection method: clinical testing. Allele origin: germline.

Mayo Clinic Laboratories, Mayo Clinic
Classification: Benign. Last evaluated: 2023-10-27. Review status: criteria provided, single submitter. Criteria: ACMG Guidelines, 2015. Collection method: clinical testing. Allele origin: germline. Observed: 16 variant alleles.
Comment: BA1, BS2

ARUP Laboratories, Molecular Genetics and Genomics, ARUP Laboratories
Classification: Benign. Last evaluated: 2020-03-13. Review status: criteria provided, single submitter. Criteria: ARUP Molecular Germline Variant Investigation Process. Collection method: clinical testing. Allele origin: germline.

Eurofins Ntd Llc (ga)
Classification: Benign. Last evaluated: 2017-04-07. Review status: criteria provided, single submitter. Criteria: EGL Classification Definitions 2015. Collection method: clinical testing. Allele origin: germline. Observed: 1 variant allele, 1 heterozygote.

GeneDx
Classification: Benign. Last evaluated: 2016-03-28. Review status: criteria provided, single submitter. Criteria: GeneDx Variant Classification (06012015). Collection method: clinical testing. Allele origin: germline. Affected: yes.
Comment: This variant is considered likely benign or benign based on one or more of the following criteria: it is a conservative change, it occurs at a poorly conserved position in the protein, it is predicted to be benign by multiple in silico algorithms, and/or has population frequency not consistent with disease.

PreventionGenetics, part of Exact Sciences
Classification: Benign for INF2-related condition. Last evaluated: 2019-03-11. Review status: no assertion criteria provided. Collection method: clinical testing. Allele origin: germline. Not counted in ClinVar's aggregate classification.
Comment: This variant is classified as benign based on ACMG/AMP sequence variant interpretation guidelines (Richards et al. 2015 PMID: 25741868, with internal and published modifications).

NM_022489.4(INF2):c.1281_1286del (p.Pro428_Leu429del)

Gene: INF2 (inverted formin 2; plus strand). Cytogenetic location: 14q32.33.
Variant type: Deletion.
Coding change: c.1281_1286del on transcript NM_022489.4 (MANE Select); coding-DNA positions 1281 to 1286, 6 bases deleted (ACCCCT; older notation c.1281_1286delACCCCT).
Protein change: p.Pro428_Leu429del.
Molecular consequence: inframe deletion.
Genome position (GRCh38, 1-based): chr14:104,707,548-104,707,553, ACCCCT deleted. VCF-style (leftmost placement, unchanged base first): chr14-104707547-CACCCCT-C. GRCh37 (hg19) VCF-style: chr14-105173884-CACCCCT-C.
Other names: p.Pro428_Leu429del; c.1281_1286del, p.Pro428_Leu429del (NM_001031714.4); c.1281_1286del (NM_022489.3); c.1281_1286del6 (NM_022489.3).
Identifiers: ClinVar variation 420406 (VCV000420406.28), dbSNP rs751555478, ClinGen allele CA7372546.